The following is an entry in ClinVar:

ClinVar aggregate classification (germline): Uncertain significance (1 of 4 stars; one submission).

Conditions:
PHGDH deficiency. Identifiers: Orphanet 79351, MedGen C1866174, MONDO:0011152, OMIM 601815.

Submission:

Labcorp Genetics (formerly Invitae), Labcorp
Classification: Uncertain significance for PHGDH deficiency. Last evaluated: 2023-07-07. Review status: criteria provided, single submitter. Criteria: Invitae Variant Classification Sherloc (09022015). Collection method: clinical testing. Allele origin: germline.
Comment: In summary, the available evidence is currently insufficient to determine the role of this variant in disease. Therefore, it has been classified as a Variant of Uncertain Significance. This sequence change replaces asparagine, which is neutral and polar, with histidine, which is basic and polar, at codon 220 of the PHGDH protein (p.Asn220His). This variant is not present in population databases (gnomAD no frequency). This variant has not been reported in the literature in individuals affected with PHGDH-related conditions. ClinVar contains an entry for this variant (Variation ID: 1361689). Advanced modeling of protein sequence and biophysical properties (such as structural, functional, and spatial information, amino acid conservation, physicochemical variation, residue mobility, and thermodynamic stability) performed at Invitae indicates that this missense variant is not expected to disrupt PHGDH protein function.

NM_006623.4(PHGDH):c.658A>C (p.Asn220His)

Gene: PHGDH (phosphoglycerate dehydrogenase; plus strand). Cytogenetic location: 1p12.
Variant type: single nucleotide variant.
Coding change: c.658A>C on transcript NM_006623.4 (MANE Select); coding-DNA position 658, A replaced by C.
Protein change: p.Asn220His; replaces asparagine 220 with histidine.
Molecular consequence: missense variant.
Genome position (GRCh38, 1-based): chr1:119,735,309, A>C. VCF-style: chr1-119735309-A-C. GRCh37 (hg19) VCF-style: chr1-120277932-A-C.
Other names: short protein forms N220H.
Identifiers: ClinVar variation 1361689 (VCV001361689.8), dbSNP rs2101198018, ClinGen allele CA341850035.
Genomic context (GRCh38, chr1:119,735,309, plus strand): 5'-GGATCCTGGTGCTGCCCCAGCAGGAAGATGCTTCGCTTTCTTCCAGGCTTGCTGAATGAC[A>C]ACACCTTTGCCCAGTGCAAGAAGGGGGTGCGTGTGGTGAACTGTGCCCGTGGAGGGATCG-3'
Protein context (NP_006614.2, residues 210-230): LPSTTGLLND[Asn220His]TFAQCKKGVR